The following is an entry in ClinVar:

ClinVar aggregate classification (germline): Conflicting classifications of pathogenicity. Review status: criteria provided, conflicting classifications (1 of 4 stars). 5 submissions from 5 submitters: Pathogenic (1); Uncertain significance (4). Last evaluated 2025-12-11.

Conditions:
Primary ciliary dyskinesia 3. Identifiers: Orphanet 244, MedGen C1837618, MONDO:0012085, OMIM 608644.
Primary ciliary dyskinesia. Also called: Ciliary dyskinesia. Identifiers: Orphanet 244, MedGen C0008780, MONDO:0016575, HP:0012265.

Allele frequency attached by ClinVar (database versions not stated): gnomAD exomes below 0.00001; ExAC 0.00001; TOPMed 0.00001.
gnomAD v4.1: 1 of 1,614,196 alleles (0.000062%); highest among the groups gnomAD compares: Admixed American, 0.0017%; no homozygotes.

Submissions (5):

Myriad Genetics, Inc.
Classification: Uncertain significance for Primary ciliary dyskinesia 3. Last evaluated: 2025-12-11. Review status: criteria provided, single submitter. Criteria: Myriad Autosomal Dominant, Autosomal Recessive and X-Linked Classification Criteria (2023). Collection method: clinical testing. Allele origin: unknown.
Comment: NM_001369.2(DNAH5):c.5582A>C(Q1861P) is a missense variant classified as a variant of uncertain significance in the context of primary ciliary dyskinesia, DNAH5-related. Q1861P has been observed in a case with relevant disease (PMID: 39695270). Relevant functional assessments of this variant are not available in the literature. Q1861P has been observed in referenced population frequency databases. In summary, there is insufficient evidence to classify NM_001369.2(DNAH5):c.5582A>C(Q1861P) as pathogenic or benign. Please note: this variant was assessed in the context of healthy population screening.

Labcorp Genetics (formerly Invitae), Labcorp
Classification: Pathogenic for Primary ciliary dyskinesia. Last evaluated: 2025-09-10. Review status: criteria provided, single submitter. Criteria: Invitae Variant Classification Sherloc (09022015). Collection method: clinical testing. Allele origin: germline.
Comment: This sequence change replaces glutamine, which is neutral and polar, with proline, which is neutral and non-polar, at codon 1861 of the DNAH5 protein (p.Gln1861Pro). This variant is present in population databases (rs780320440, gnomAD 0.003%). This missense change has been observed in individual(s) with clinical features of primary ciliary dyskinesia (internal data). In at least one individual the data is consistent with being in trans (on the opposite chromosome) from a pathogenic variant. ClinVar contains an entry for this variant (Variation ID: 977555). Invitae Evidence Modeling of protein sequence and biophysical properties (such as structural, functional, and spatial information, amino acid conservation, physicochemical variation, residue mobility, and thermodynamic stability) indicates that this missense variant is not expected to disrupt DNAH5 protein function with a negative predictive value of 95%. For these reasons, this variant has been classified as Pathogenic.

Women's Health and Genetics/Laboratory Corporation of America, LabCorp
Classification: Uncertain significance. Last evaluated: 2025-05-13. Review status: criteria provided, single submitter. Criteria: LabCorp Variant Classification Summary - May 2015. Collection method: clinical testing. Allele origin: germline.
Comment: Variant summary: DNAH5 c.5582A>C (p.Gln1861Pro) results in a non-conservative amino acid change in the encoded protein sequence. Algorithms developed to predict the effect of missense changes on protein structure and function are either unavailable or do not agree on the potential impact of this missense change. The variant allele was found at a frequency of 4e-06 in 251270 control chromosomes. The available data on variant occurrences in the general population are insufficient to allow any conclusion about variant significance. c.5582A>C has been observed in individual(s) affected with clinical features of Primary ciliary dyskinesia 3 (Labcorp (formerly Invitae)). These data do not allow any conclusion about variant significance. To our knowledge, no experimental evidence demonstrating an impact on protein function has been reported. ClinVar contains an entry for this variant (Variation ID: 977555). Based on the evidence outlined above, the variant was classified as uncertain significance.

Dasa
Classification: Uncertain significance. Last evaluated: 2025-02-18. Review status: criteria provided, single submitter. Criteria: DASA Assertion Criteria. Collection method: clinical testing. Allele origin: germline.
Comment: NM_001369.3(DNAH5):c.5582A>C (p.Gln1861Pro) is a missense variant that results in the substitution of glutamine with proline. This variant has been observed in affected individuals with DNAH5-related disorders. Also, this variant is rare in population databases. Computational prediction algorithms are consistent with a benign effect. The currently available literature and clinical evidence are not sufficient to establish a definitive association between this variant and the reported condition. Therefore, this variant is classified as a variant of uncertain significance.

UNC Molecular Genetics  Laboratory, University of North Carolina at Chapel Hill
Classification: Uncertain significance for Primary ciliary dyskinesia. Last evaluated: 2017-12-05. Review status: criteria provided, single submitter. Criteria: ACMG Guidelines, 2015. Collection method: clinical testing. Allele origin: germline. Observed: 1 heterozygote.

Literature cited by the submitters: PubMed 39695270 (cited by Myriad Genetics, Inc.).

NM_001369.3(DNAH5):c.5582A>C (p.Gln1861Pro)

Gene: DNAH5 (dynein axonemal heavy chain 5; minus strand). Cytogenetic location: 5p15.2.
Variant type: single nucleotide variant.
Coding change: c.5582A>C on transcript NM_001369.3 (MANE Select); coding-DNA position 5582, A replaced by C.
Protein change: p.Gln1861Pro; replaces glutamine 1861 with proline.
Molecular consequence: missense variant.
Genome position (GRCh38, 1-based): chr5:13,841,033, T>G on the plus strand (A>C on the coding strand, the complement: DNAH5 is on the minus strand). VCF-style: chr5-13841033-T-G. GRCh37 (hg19) VCF-style: chr5-13841142-T-G.
Other names: short protein forms Q1861P.
Identifiers: ClinVar variation 977555 (VCV000977555.11), dbSNP rs780320440, ClinGen allele CA3203634.
Genomic context (GRCh38, chr5:13,841,033, plus strand): 5'-GTGGAACTCAGATCCCTCGTGGTGACGTCTATCAATGTATTGAGTAGCTCCAGGAAAGCC[T>G]GATTAGTTTTCTGCATGATTTTTTTATCAAACTTGGCATTTCTAAGGGCTTCTTCTGAAT-3'
Protein context (NP_001360.1, residues 1851-1871): FDKKIMQKTN[Gln1861Pro]AFLELLNTLI